The following is an entry in ClinVar:

ClinVar aggregate classification (germline): Benign/Likely benign. Review status: criteria provided, multiple submitters, no conflicts (2 of 4 stars). 3 submissions from 3 submitters: Benign (2); Likely benign (1). Last evaluated 2023-02-01.

Allele frequency attached by ClinVar (database versions not stated): 1000 Genomes Project 0.00319; 1000 Genomes Project 30x 0.00344; TOPMed 0.00495; gnomAD 0.00542 and 0.00547; ExAC 0.00647; ESP Exome Variant Server 0.00661.
gnomAD v4.1: 10,341 of 1,611,452 alleles (0.64%); highest among the groups gnomAD compares: Non-Finnish European, 0.78%; 55 homozygotes.

Submissions (3):

CeGaT Center for Human Genetics Tuebingen
Classification: Likely benign. Last evaluated: 2023-02-01. Review status: criteria provided, single submitter. Criteria: CeGaT Center For Human Genetics Tuebingen Variant Classification Criteria Version 2. Collection method: clinical testing. Allele origin: germline. Affected: yes. Observed: 2 variant alleles.
Comment: PTPN14: BS2

Labcorp Genetics (formerly Invitae), Labcorp
Classification: Benign. Last evaluated: 2019-12-31. Review status: criteria provided, single submitter. Criteria: Invitae Variant Classification Sherloc (09022015). Collection method: clinical testing. Allele origin: germline.

Breakthrough Genomics
Classification: Benign. Review status: criteria provided, single submitter. Criteria: ACMG Guidelines, 2015. Collection method: not provided. Allele origin: germline. Inheritance: Autosomal recessive inheritance. Affected: yes.

NM_005401.5(PTPN14):c.1079A>C (p.His360Pro)

Gene: PTPN14 (protein tyrosine phosphatase non-receptor type 14; minus strand). Cytogenetic location: 1q32.3.
Variant type: single nucleotide variant.
Coding change: c.1079A>C on transcript NM_005401.5 (MANE Select); coding-DNA position 1079, A replaced by C.
Protein change: p.His360Pro; replaces histidine 360 with proline.
Molecular consequence: missense variant.
Genome position (GRCh38, 1-based): chr1:214,384,776, T>G on the plus strand (A>C on the coding strand, the complement: PTPN14 is on the minus strand). VCF-style: chr1-214384776-T-G. GRCh37 (hg19) VCF-style: chr1-214558119-T-G.
Other names: short protein forms H360P.
Identifiers: ClinVar variation 709021 (VCV000709021.29), dbSNP rs112523432, ClinGen allele CA1389173.
Genomic context (GRCh38, chr1:214,384,776, plus strand): 5'-TTTAAATAATTTAAGTCCAGGCTGTTGTGAGAGTTGCAATACAAGGCTTCTTCATTCCCA[T>G]GAAAAATGCTGTCTACAAGAAGTCAAACAAAGGCACGTGAACCTCCAAGCCATCCTGCCA-3'
Protein context (NP_005392.2, residues 350-370): ETHTSQDSIF[His360Pro]GNEEALYCNS